The following is an entry in ClinVar:

ClinVar aggregate classification (germline): Uncertain significance (1 of 4 stars; one submission).

Conditions:
Gorlin syndrome. Also called: Nevoid Basal Cell Carcinoma Syndrome; Basal cell nevus syndrome. Identifiers: Orphanet 377, MedGen C0004779, MONDO:0007187.

Submission:

Labcorp Genetics (formerly Invitae), Labcorp
Classification: Uncertain significance for Gorlin syndrome. Last evaluated: 2024-01-09. Review status: criteria provided, single submitter. Criteria: Invitae Variant Classification Sherloc (09022015). Collection method: clinical testing. Allele origin: germline.
Comment: This sequence change replaces proline, which is neutral and non-polar, with serine, which is neutral and polar, at codon 1125 of the PTCH1 protein (p.Pro1125Ser). This variant is not present in population databases (gnomAD no frequency). This variant has not been reported in the literature in individuals affected with PTCH1-related conditions. Advanced modeling of protein sequence and biophysical properties (such as structural, functional, and spatial information, amino acid conservation, physicochemical variation, residue mobility, and thermodynamic stability) performed at Invitae indicates that this missense variant is not expected to disrupt PTCH1 protein function with a negative predictive value of 95%. In summary, the available evidence is currently insufficient to determine the role of this variant in disease. Therefore, it has been classified as a Variant of Uncertain Significance.

NM_000264.5(PTCH1):c.3373C>T (p.Pro1125Ser)

Gene: PTCH1 (patched 1; minus strand). Cytogenetic location: 9q22.32.
Variant type: single nucleotide variant.
Coding change: c.3373C>T on transcript NM_000264.5 (MANE Select); coding-DNA position 3373, C replaced by T.
Protein change: p.Pro1125Ser; replaces proline 1125 with serine.
Molecular consequence: missense variant. On other transcripts: non-coding transcript variant (1).
Genome position (GRCh38, 1-based): chr9:95,453,554, G>A on the plus strand (C>T on the coding strand, the complement: PTCH1 is on the minus strand). VCF-style: chr9-95453554-G-A. GRCh37 (hg19) VCF-style: chr9-98215836-G-A.
Other names: c.3175C>T, p.Pro1059Ser (NM_001083602.3); c.3370C>T, p.Pro1124Ser (NM_001083603.3); c.2920C>T, p.Pro974Ser (NM_001083604.3, NM_001083605.3, NM_001083606.3 and 1 more transcripts); c.3217C>T, p.Pro1073Ser (NM_001354918.2); short protein forms P1124S, P1059S, P1125S, P1073S, P974S.
Identifiers: ClinVar variation 3002796 (VCV003002796.3), dbSNP rs2136631650, ClinGen allele CA374111798.
Genomic context (GRCh38, chr9:95,453,554, plus strand): 5'-ACTCAGATCCCGCCAGCATCAGCACTCCCAGCAGAGTGGACACGGCGCCATCCAGGACGG[G>A]TGCAAACATGTGCTCCAGGGCAAGCACAGCCCTGCGGTTCTTGTCGCCGATGGCCGTCAG-3'
Protein context (NP_000255.2, residues 1115-1135): AVLALEHMFA[Pro1125Ser]VLDGAVSTLL